The following is an entry in ClinVar:

ClinVar aggregate classification (germline): Benign (0 of 4 stars; one submission).

Conditions:
KCNJ12-related disorder. Also called: KCNJ12-related condition.

Allele frequency attached by ClinVar (database versions not stated): ExAC 0.09248.

Submission:

PreventionGenetics, part of Exact Sciences
Classification: Benign for KCNJ12-related condition. Last evaluated: 2019-10-18. Review status: no assertion criteria provided. Collection method: clinical testing. Allele origin: germline.
Comment: This variant is classified as benign based on ACMG/AMP sequence variant interpretation guidelines (Richards et al. 2015 PMID: 25741868, with internal and published modifications).

NM_021012.5(KCNJ12):c.106G>T (p.Val36Leu)

Gene: KCNJ12 (potassium inwardly rectifying channel subfamily J member 12; plus strand). Cytogenetic location: 17p11.2.
Variant type: single nucleotide variant.
Coding change: c.106G>T on transcript NM_021012.5 (MANE Select); coding-DNA position 106, G replaced by T.
Protein change: p.Val36Leu; replaces valine 36 with leucine.
Molecular consequence: missense variant.
Genome position (GRCh38, 1-based): chr17:21,415,448, G>T. VCF-style: chr17-21415448-G-T. GRCh37 (hg19) VCF-style: chr17-21318760-G-T.
Other names: short protein forms V36L.
Identifiers: ClinVar variation 3059989 (VCV003059989.2), dbSNP rs74880280, ClinGen allele CA8450994.